The following is an entry in ClinVar:

NM_005068.3(SIM1):c.1643G>A (p.Arg548Gln)

Gene: SIM1 (SIM bHLH transcription factor 1; minus strand). Cytogenetic location: 6q16.3.
Variant type: single nucleotide variant.
Coding change: c.1643G>A on transcript NM_005068.3 (MANE Select); coding-DNA position 1643, G replaced by A.
Protein change: p.Arg548Gln; replaces arginine 548 with glutamine.
Molecular consequence: missense variant.
Genome position (GRCh38, 1-based): chr6:100,391,019, C>T on the plus strand (G>A on the coding strand, the complement: SIM1 is on the minus strand). VCF-style: chr6-100391019-C-T. GRCh37 (hg19) VCF-style: chr6-100838895-C-T.
Other names: c.1643G>A, p.Arg548Gln (NM_001374769.1); short protein forms R548Q.
Identifiers: ClinVar variation 1679602 (VCV001679602.5), dbSNP rs149460504, ClinGen allele CA3936968.
Genomic context (GRCh38, chr6:100,391,019, plus strand): 5'-ATAAGAGTTTCAATTTTGCTGGGTTCATGTGGGCTACTTTGATACTGCTCAGTACGATAT[C>T]GGTCACCTGATTCACTGGCCGACCCAGGGTCTGGAGAACTGACCACACTATCTTCATCCC-3'
Protein context (NP_005059.2, residues 538-558): DPGSASESGD[Arg548Gln]YRTEQYQSSP

ClinVar aggregate classification (germline): Uncertain significance. Review status: criteria provided, multiple submitters, no conflicts (2 of 4 stars). 3 submissions from 3 submitters: Uncertain significance (2). 1 of the submissions does not count toward it. Last evaluated 2025-08-31.

Conditions:
SIM1-related disorder. Also called: SIM1-related condition; SIM1-related disorders.
Inborn genetic diseases. Identifiers: MedGen C0950123, MeSH D030342.

Allele frequency attached by ClinVar (database versions not stated): gnomAD 0.00001 and 0.00002; gnomAD exomes 0.00002; TOPMed 0.00002; ExAC 0.00003; ESP Exome Variant Server 0.00008.
gnomAD v4.1: 55 of 1,614,116 alleles (0.0034%); highest among the groups gnomAD compares: African/African-American, 0.0067%; no homozygotes.

Submissions (3):

Ambry Genetics
Classification: Uncertain significance for Inborn genetic diseases. Last evaluated: 2025-08-31. Review status: criteria provided, single submitter. Criteria: Ambry Variant Classification Scheme 2023. Collection method: clinical testing. Allele origin: germline.

New York Genome Center
Classification: Uncertain significance. Last evaluated: 2021-05-14. Review status: criteria provided, single submitter. Criteria: NYGC Assertion Criteria 2020. Collection method: clinical testing. Allele origin: inherited. Observed: 1 heterozygote. Study: CSER-NYCKidSeq.

PreventionGenetics, part of Exact Sciences
Classification: Uncertain significance for SIM1-related condition. Last evaluated: 2024-04-16. Review status: no assertion criteria provided. Collection method: clinical testing. Allele origin: germline. Not counted in ClinVar's aggregate classification.
Comment: The SIM1 c.1643G>A variant is predicted to result in the amino acid substitution p.Arg548Gln. To our knowledge, this variant has not been reported in the literature. This variant is reported in 0.0033% of alleles in individuals of South Asian descent in gnomAD. At this time, the clinical significance of this variant is uncertain due to the absence of conclusive functional and genetic evidence.